The following is an entry in ClinVar:

ClinVar aggregate classification (germline): Likely benign (1 of 4 stars; one submission).

Allele frequency attached by ClinVar (database versions not stated): ExAC 0.00007; gnomAD 0.00008; gnomAD exomes 0.00009; ESP Exome Variant Server 0.00015.
gnomAD v4.1: 143 of 1,614,060 alleles (0.0089%); highest among the groups gnomAD compares: Non-Finnish European, 0.011%; no homozygotes.

Submission:

CeGaT Center for Human Genetics Tuebingen
Classification: Likely benign. Last evaluated: 2024-04-01. Review status: criteria provided, single submitter. Criteria: CeGaT Center For Human Genetics Tuebingen Variant Classification Criteria Version 2. Collection method: clinical testing. Allele origin: germline. Affected: yes. Observed: 1 variant allele.
Comment: PRSS12: BP4, BP7

NM_003619.4(PRSS12):c.2175T>C (p.Tyr725=)

Gene: PRSS12 (serine protease 12; minus strand). Cytogenetic location: 4q26.
Variant type: single nucleotide variant.
Coding change: c.2175T>C on transcript NM_003619.4 (MANE Select); coding-DNA position 2175, T replaced by C.
Protein change: p.Tyr725=; no amino-acid change (tyrosine 725 retained).
Molecular consequence: synonymous variant.
Genome position (GRCh38, 1-based): chr4:118,282,976, A>G on the plus strand (T>C on the coding strand, the complement: PRSS12 is on the minus strand). VCF-style: chr4-118282976-A-G. GRCh37 (hg19) VCF-style: chr4-119204131-A-G.
Identifiers: ClinVar variation 3234204 (VCV003234204.20), dbSNP rs201731725, ClinGen allele CA3055419.